The following is an entry in ClinVar:

ClinVar aggregate classification (germline): Pathogenic (1 of 4 stars; one submission).

Conditions:
Osteogenesis imperfecta with normal sclerae, dominant form (OI4). Also called: Common Variable Osteogenesis Imperfecta with Normal Sclerae; OSTEOGENESIS IMPERFECTA, TYPE IV, WITH DENTINOGENESIS IMPERFECTA; Osteogenesis Imperfecta Type IV; OSTEOGENESIS IMPERFECTA WITH NORMAL SCLERAE; Osteogenesis imperfecta type 4. Identifiers: Orphanet 216820, Orphanet 666, MedGen C0268363, MONDO:0008148, OMIM 166220.

Submission:

Clinical Biomedical Laboratory, Shriners Hospital For Children - Canada
Classification: Pathogenic for Osteogenesis imperfecta with normal sclerae, dominant form. Last evaluated: 2025-07-16. Review status: criteria provided, single submitter. Criteria: ACMG Guidelines, 2015. Collection method: clinical testing. Allele origin: germline. Affected: yes.
Comment: his variant is predicted to substitute a glycine residue by an arginine residue in the alpha 2 chain of collagen type I. Glycine substitutions in the triple helical domain of collagen type I cause disruption in the formation of the triple helix in the collagen molecule and are a typical cause of osteogenesis imperfecta. This variant is absent from the Genome Aggregation Database v.2.1.1, indicating it is very rare. A varian leading to the same amino acid change has been reported in the literature as a cause of osteogenesis imperfecta (PMID: 25944380). Prediction tools: (REVEL: 0.98) suggest that the variant is deleterious to protein function.

Literature cited by the submitters: PubMed 25944380.

NM_000089.4(COL1A2):c.1162G>A (p.Gly388Arg)

Gene: COL1A2 (collagen type I alpha 2 chain; plus strand). Cytogenetic location: 7q21.3.
Variant type: single nucleotide variant.
Coding change: c.1162G>A on transcript NM_000089.4 (MANE Select); coding-DNA position 1162, G replaced by A.
Protein change: p.Gly388Arg; replaces glycine 388 with arginine.
Molecular consequence: missense variant.
Genome position (GRCh38, 1-based): chr7:94,410,492, G>A. VCF-style: chr7-94410492-G-A. GRCh37 (hg19) VCF-style: chr7-94039804-G-A.
Other names: short protein forms G388R.
Identifiers: ClinVar variation 4075339 (VCV004075339.1).